The following is an entry in ClinVar:

NM_000236.3(LIPC):c.456+5C>T

Gene: LIPC (lipase C, hepatic type; plus strand). Cytogenetic location: 15q21.3.
Variant type: single nucleotide variant.
Coding change: c.456+5C>T on transcript NM_000236.3 (MANE Select); 5 bases into the intron after coding-DNA position 456, C replaced by T.
Molecular consequence: intron variant.
Genome position (GRCh38, 1-based): chr15:58,541,972, C>T. VCF-style: chr15-58541972-C-T. GRCh37 (hg19) VCF-style: chr15-58834171-C-T.
Identifiers: ClinVar variation 888212 (VCV000888212.11), dbSNP rs529860942, ClinGen allele CA7584850.

ClinVar aggregate classification (germline): Uncertain significance. Review status: criteria provided, multiple submitters, no conflicts (2 of 4 stars). 2 submissions from 2 submitters: Uncertain significance (2). Last evaluated 2022-10-05.

Conditions:
Hyperlipidemia due to hepatic triglyceride lipase deficiency. Also called: LIPC DEFICIENCY. Identifiers: Orphanet 140905, MedGen C3151466, MONDO:0013533, OMIM 614025.

Allele frequency attached by ClinVar (database versions not stated): gnomAD 0.00005 and 0.00003; 1000 Genomes Project 30x 0.00062; 1000 Genomes Project 0.00080; TOPMed 0.00005; gnomAD exomes 0.00006 and 0.00005; ExAC 0.00008.
gnomAD v4.1: 82 of 1,605,034 alleles (0.0051%); highest among the groups gnomAD compares: Middle Eastern, 0.017%; 1 homozygote.

Submissions (2):

Labcorp Genetics (formerly Invitae), Labcorp
Classification: Uncertain significance. Last evaluated: 2022-10-05. Review status: criteria provided, single submitter. Criteria: Invitae Variant Classification Sherloc (09022015). Collection method: clinical testing. Allele origin: germline.
Comment: In summary, the available evidence is currently insufficient to determine the role of this variant in disease. Therefore, it has been classified as a Variant of Uncertain Significance. Variants that disrupt the consensus splice site are a relatively common cause of aberrant splicing (PMID: 17576681, 9536098). Algorithms developed to predict the effect of sequence changes on RNA splicing suggest that this variant is not likely to affect RNA splicing. ClinVar contains an entry for this variant (Variation ID: 888212). This variant has not been reported in the literature in individuals affected with LIPC-related conditions. This variant is present in population databases (rs529860942, gnomAD 0.04%). This sequence change falls in intron 3 of the LIPC gene. It does not directly change the encoded amino acid sequence of the LIPC protein. It affects a nucleotide within the consensus splice site.

Illumina Laboratory Services, Illumina
Classification: Uncertain significance for Hyperlipidemia due to hepatic triglyceride lipase deficiency. Last evaluated: 2018-01-13. Review status: criteria provided, single submitter. Criteria: ICSL Variant Classification Criteria 13 December 2019. Collection method: clinical testing. Allele origin: germline.

Literature cited by the submitters: PubMed 17576681 (cited by Labcorp Genetics (formerly Invitae), Labcorp); PubMed 9536098 (cited by Labcorp Genetics (formerly Invitae), Labcorp).